The following is an entry in ClinVar:

ClinVar aggregate classification (germline): Uncertain significance (1 of 4 stars; one submission).

gnomAD v4.1: 12 of 1,613,866 alleles (0.00074%); highest among the groups gnomAD compares: Non-Finnish European, 0.001%; no homozygotes.

Submission:

Labcorp Genetics (formerly Invitae), Labcorp
Classification: Uncertain significance. Last evaluated: 2024-02-16. Review status: criteria provided, single submitter. Criteria: Invitae Variant Classification Sherloc (09022015). Collection method: clinical testing. Allele origin: germline.
Comment: This sequence change falls in intron 18 of the ERBB4 gene. It does not directly change the encoded amino acid sequence of the ERBB4 protein. It affects a nucleotide within the consensus splice site. This variant is not present in population databases (gnomAD no frequency). This variant has not been reported in the literature in individuals affected with ERBB4-related conditions. Variants that disrupt the consensus splice site are a relatively common cause of aberrant splicing (PMID: 17576681, 9536098). Algorithms developed to predict the effect of sequence changes on RNA splicing suggest that this variant is not likely to affect RNA splicing. In summary, the available evidence is currently insufficient to determine the role of this variant in disease. Therefore, it has been classified as a Variant of Uncertain Significance.

Literature cited by the submitters: PubMed 17576681; PubMed 9536098.

NM_005235.3(ERBB4):c.2202+6T>A

Gene: ERBB4 (erb-b2 receptor tyrosine kinase 4; minus strand). Cytogenetic location: 2q34.
Variant type: single nucleotide variant.
Coding change: c.2202+6T>A on transcript NM_005235.3 (MANE Select); 6 bases into the intron after coding-DNA position 2202, T replaced by A.
Molecular consequence: intron variant.
Genome position (GRCh38, 1-based): chr2:211,623,916, A>T on the plus strand (T>A on the coding strand, the complement: ERBB4 is on the minus strand). VCF-style: chr2-211623916-A-T. GRCh37 (hg19) VCF-style: chr2-212488641-A-T.
Other names: c.2202+6T>A (NM_001042599.2); c.2172+6T>A (NM_001439006.1, NM_001439005.1).
Identifiers: ClinVar variation 3697351 (VCV003697351.2).